The following is an entry in ClinVar:

NM_005592.4(MUSK):c.486+1G>C

Gene: MUSK (muscle associated receptor tyrosine kinase; plus strand). Cytogenetic location: 9q31.3.
Variant type: single nucleotide variant.
Coding change: c.486+1G>C on transcript NM_005592.4 (MANE Select); the canonical splice donor site of the intron after coding-DNA position 486, G replaced by C.
Molecular consequence: splice donor variant.
Genome position (GRCh38, 1-based): chr9:110,695,531, G>C. VCF-style: chr9-110695531-G-C. GRCh37 (hg19) VCF-style: chr9-113457811-G-C.
Other names: c.486+1G>C (NM_001166280.2, NM_001166281.2).
Identifiers: ClinVar variation 657565 (VCV000657565.7), dbSNP rs1204788520, ClinGen allele CA374665276.

ClinVar aggregate classification (germline): Likely pathogenic (1 of 4 stars; one submission).

Conditions:
Fetal akinesia deformation sequence 1 (FADS1). Also called: Fetal akinesia sequence; Pena-Shokeir syndrome type I. Identifiers: Orphanet 994, MedGen C1276035, MONDO:0100101, OMIM 208150, HP:0001989.
Congenital myasthenic syndrome 9. Also called: Myasthenic syndrome, congenital, 9, associated with acetylcholine receptor deficiency. Identifiers: Orphanet 590, MedGen C4225368, MONDO:0014587, OMIM 616325.

Submission:

Labcorp Genetics (formerly Invitae), Labcorp
Classification: Likely pathogenic for Congenital myasthenic syndrome 9; Fetal akinesia deformation sequence 1. Last evaluated: 2024-05-23. Review status: criteria provided, single submitter. Criteria: Invitae Variant Classification Sherloc (09022015). Collection method: clinical testing. Allele origin: germline.
Comment: This sequence change affects a donor splice site in intron 4 of the MUSK gene. It is expected to disrupt RNA splicing. Variants that disrupt the donor or acceptor splice site typically lead to a loss of protein function (PMID: 16199547), and loss-of-function variants in MUSK are known to be pathogenic (PMID: 8653786, 25612909, 25695962, 25900532). This variant is not present in population databases (gnomAD no frequency). This variant has not been reported in the literature in individuals affected with MUSK-related conditions. ClinVar contains an entry for this variant (Variation ID: 657565). Algorithms developed to predict the effect of sequence changes on RNA splicing suggest that this variant may disrupt the consensus splice site. In summary, the currently available evidence indicates that the variant is pathogenic, but additional data are needed to prove that conclusively. Therefore, this variant has been classified as Likely Pathogenic.

Literature cited by the submitters: PubMed 16199547; PubMed 8653786; PubMed 25612909; PubMed 25695962; PubMed 25900532.